The following is an entry in ClinVar:

NM_001267550.2(TTN):c.82535_82538del (p.Glu27512fs)

Genes: TTN-AS1 (TTN antisense RNA 1; plus strand), TTN (titin; minus strand). Cytogenetic location: 2q31.2.
Variant type: Microsatellite.
Coding change: c.82535_82538del on transcript NM_001267550.2 (MANE Select); coding-DNA positions 82535 to 82538, 4 bases deleted (AAGG; older notation c.82535_82538delAAGG).
Protein change: p.Glu27512fs; shifts the reading frame from glutamic acid 27512.
Molecular consequence: frameshift variant.
Genome position (GRCh38, 1-based): chr2:178,563,594-178,563,597, CCTT deleted on the plus strand (AAGG on the coding strand, the reverse complement: TTN is on the minus strand); deleting any 4 consecutive bases within chr2:178,563,594-178,563,601 gives the same sequence; the c. name uses the placement nearest the transcript's 3' end. VCF-style (leftmost placement, unchanged base first): chr2-178563593-GCCTT-G. GRCh37 (hg19) VCF-style: chr2-179428320-GCCTT-G.
Other names: c.77612_77615del, p.Glu25871fs (NM_001256850.1); c.55340_55343del, p.Glu18447fs (NM_003319.4); c.74831_74834del, p.Glu24944fs (NM_133378.4); c.55715_55718del, p.Glu18572fs (NM_133432.3); c.55916_55919del, p.Glu18639fs (NM_133437.4); short protein forms E25871fs, E18447fs, E18572fs, E18639fs, E27512fs, E24944fs.
Identifiers: ClinVar variation 2950633 (VCV002950633.3), dbSNP rs2468171884, ClinGen allele CA2662128586.

ClinVar aggregate classification (germline): Likely pathogenic (1 of 4 stars; one submission).

Conditions:
Dilated cardiomyopathy 1G (CMD1G). Identifiers: Orphanet 154, MedGen C1858763, MONDO:0011400, OMIM 604145.
Autosomal recessive limb-girdle muscular dystrophy type 2J (LGMDR10). Also called: Limb-girdle muscular dystrophy, type 2J; MUSCULAR DYSTROPHY, LIMB-GIRDLE, AUTOSOMAL RECESSIVE 10. Identifiers: Orphanet 140922, MedGen C1837342, MONDO:0012127, OMIM 608807.

Submission:

Labcorp Genetics (formerly Invitae), Labcorp
Classification: Likely pathogenic for Dilated cardiomyopathy 1G; Autosomal recessive limb-girdle muscular dystrophy type 2J. Last evaluated: 2023-08-03. Review status: criteria provided, single submitter. Criteria: Invitae Variant Classification Sherloc (09022015). Collection method: clinical testing. Allele origin: germline.
Comment: This sequence change creates a premature translational stop signal (p.Glu27512Alafs*12) in the TTN gene. While this is not anticipated to result in nonsense mediated decay, it is expected to create a truncated TTN protein. This variant is not present in population databases (gnomAD no frequency). This variant has not been reported in the literature in individuals affected with TTN-related conditions. This variant is located in the A band of TTN (PMID: 25589632). Truncating variants in this region are significantly overrepresented in patients affected with dilated cardiomyopathy (PMID: 25589632). Truncating variants in this region have also been reported in individuals affected with autosomal recessive centronuclear myopathy (PMID: 23975875). In summary, the currently available evidence indicates that the variant is pathogenic, but additional data are needed to prove that conclusively. Therefore, this variant has been classified as Likely Pathogenic.

Literature cited by the submitters: PubMed 25589632; PubMed 23975875.